The following is an entry in ClinVar:

ClinVar aggregate classification (germline): Likely benign. Review status: criteria provided, multiple submitters, no conflicts (2 of 4 stars). 3 submissions from 3 submitters: Likely benign (3). Last evaluated 2026-02-03.

Conditions:
Cardiovascular phenotype. Identifiers: MedGen CN230736.
Arrhythmogenic right ventricular dysplasia 5. Also called: Arrhythmogenic Right Ventricular Dysplasia/Cardiomyopathy 5; ARRHYTHMOGENIC RIGHT VENTRICULAR DYSPLASIA, FAMILIAL, 5. Identifiers: MedGen C1858379, MONDO:0011459, OMIM 604400.

gnomAD v4.1: 1 of 1,614,204 alleles (0.000062%); highest among the groups gnomAD compares: African/African-American, 0.0013%; no homozygotes.

Submissions (3):

Labcorp Genetics (formerly Invitae), Labcorp
Classification: Likely benign for Arrhythmogenic right ventricular dysplasia 5. Last evaluated: 2026-02-03. Review status: criteria provided, single submitter. Criteria: Invitae Variant Classification Sherloc (09022015). Collection method: clinical testing. Allele origin: germline.

Ambry Genetics
Classification: Likely benign for Cardiovascular phenotype. Last evaluated: 2024-10-29. Review status: criteria provided, single submitter. Criteria: Ambry Variant Classification Scheme 2023. Collection method: clinical testing. Allele origin: germline.

All of Us Research Program, National Institutes of Health
Classification: Likely benign for Arrhythmogenic right ventricular dysplasia 5. Last evaluated: 2024-07-20. Review status: criteria provided, single submitter. Criteria: ACMG Guidelines, 2015. Collection method: clinical testing. Allele origin: germline. Inheritance: Autosomal dominant inheritance. Observed: 1 variant allele, 1 heterozygote.
Comment: This study involves interpretation of variants in research participants for the purpose of population health screening. Participant phenotype was not available at the time of variant classification. Additional details can be found in publication PMID: 35346344, PMCID: PMC8962531

NM_024334.3(TMEM43):c.1128C>T (p.Ala376=)

Gene: TMEM43 (transmembrane protein 43; plus strand). Cytogenetic location: 3p25.1.
Variant type: single nucleotide variant.
Coding change: c.1128C>T on transcript NM_024334.3 (MANE Select); coding-DNA position 1128, C replaced by T.
Protein change: p.Ala376=; no amino-acid change (alanine 376 retained).
Molecular consequence: synonymous variant.
Genome position (GRCh38, 1-based): chr3:14,141,720, C>T. VCF-style: chr3-14141720-C-T. GRCh37 (hg19) VCF-style: chr3-14183220-C-T.
Other names: c.1131C>T, p.Ala377= (NM_001407274.1); c.1125C>T, p.Ala375= (NM_001407275.1, NM_001407276.1); c.1122C>T, p.Ala374= (NM_001407277.1); c.1113C>T, p.Ala371= (NM_001407278.1); c.1053C>T, p.Ala351= (NM_001407279.1); c.978C>T, p.Ala326= (NM_001407280.1).
Identifiers: ClinVar variation 3386090 (VCV003386090.4).
Genomic context (GRCh38, chr3:14,141,720, plus strand): 5'-CACCTCGCTGACCCTGCTGACCGTGGCGGCTGGCTGGCTCTTCTACCGACCCCTGTGGGC[C>T]CTCCTCATTGCCGGCCTGGCCCTTGTGCCCATCCTTGTTGCTCGGACACGGGTGCCAGCC-3'
Protein context (NP_077310.1, residues 366-386): AGWLFYRPLW[Ala376=]LLIAGLALVP